The following is an entry in ClinVar:

ClinVar aggregate classification (germline): Uncertain significance (1 of 4 stars; one submission).

Submission:

GeneDx
Classification: Uncertain significance. Last evaluated: 2019-12-14. Review status: criteria provided, single submitter. Criteria: GeneDx Variant Classification Process June 2021. Collection method: clinical testing. Allele origin: germline. Affected: yes.
Comment: Not observed in large population cohorts (Lek et al., 2016); In silico analysis, which includes protein predictors and evolutionary conservation, supports a deleterious effect; Has not been previously published as pathogenic or benign to our knowledge

NM_138576.4(BCL11B):c.1322A>T (p.Asn441Ile)

Gene: BCL11B (BCL11 transcription factor B; minus strand). Cytogenetic location: 14q32.2.
Variant type: single nucleotide variant.
Coding change: c.1322A>T on transcript NM_138576.4 (MANE Select); coding-DNA position 1322, A replaced by T.
Protein change: p.Asn441Ile; replaces asparagine 441 with isoleucine.
Molecular consequence: missense variant.
Genome position (GRCh38, 1-based): chr14:99,175,514, T>A on the plus strand (A>T on the coding strand, the complement: BCL11B is on the minus strand). VCF-style: chr14-99175514-T-A. GRCh37 (hg19) VCF-style: chr14-99641851-T-A.
Other names: c.1319A>T, p.Asn440Ile (NM_001282237.2); c.1106A>T, p.Asn369Ile (NM_001282238.2); c.1109A>T, p.Asn370Ile (NM_022898.3); short protein forms N369I, N370I, N440I, N441I.
Identifiers: ClinVar variation 1304644 (VCV001304644.2), dbSNP rs2139759223, ClinGen allele CA390935640.